The following is an entry in ClinVar:

ClinVar aggregate classification (germline): Uncertain significance. Review status: criteria provided, multiple submitters, no conflicts (2 of 4 stars). 2 submissions from 2 submitters: Uncertain significance (2). Last evaluated 2024-01-30.

Conditions:
Brody myopathy. Also called: BRODY DISEASE. Identifiers: Orphanet 53347, MedGen C1832918, MONDO:0010977, OMIM 601003.

Allele frequency attached by ClinVar (database versions not stated): gnomAD 0.00003; TOPMed 0.00003.
gnomAD v4.1: 29 of 1,614,030 alleles (0.0018%); highest among the groups gnomAD compares: Middle Eastern, 0.049%; no homozygotes.

Submissions (2):

Blueprint Genetics
Classification: Uncertain significance. Last evaluated: 2024-01-30. Review status: criteria provided, single submitter. Criteria: ACMG Guidelines, 2015. Collection method: clinical testing. Allele origin: germline.

Labcorp Genetics (formerly Invitae), Labcorp
Classification: Uncertain significance for Brody myopathy. Last evaluated: 2022-08-31. Review status: criteria provided, single submitter. Criteria: Invitae Variant Classification Sherloc (09022015). Collection method: clinical testing. Allele origin: germline.
Comment: This sequence change replaces arginine, which is basic and polar, with glutamine, which is neutral and polar, at codon 110 of the ATP2A1 protein (p.Arg110Gln). This variant is present in population databases (rs768820110, gnomAD 0.01%). This variant has not been reported in the literature in individuals affected with ATP2A1-related conditions. ClinVar contains an entry for this variant (Variation ID: 578738). Algorithms developed to predict the effect of missense changes on protein structure and function are either unavailable or do not agree on the potential impact of this missense change (SIFT: "Deleterious"; PolyPhen-2: "Benign"; Align-GVGD: "Class C0"). In summary, the available evidence is currently insufficient to determine the role of this variant in disease. Therefore, it has been classified as a Variant of Uncertain Significance.

NM_004320.6(ATP2A1):c.329G>A (p.Arg110Gln)

Gene: ATP2A1 (ATPase sarcoplasmic/endoplasmic reticulum Ca2+ transporting 1; plus strand). Cytogenetic location: 16p11.2.
Variant type: single nucleotide variant.
Coding change: c.329G>A on transcript NM_004320.6 (MANE Select); coding-DNA position 329, G replaced by A.
Protein change: p.Arg110Gln; replaces arginine 110 with glutamine.
Molecular consequence: missense variant. On other transcripts: 5 prime UTR variant (1).
Genome position (GRCh38, 1-based): chr16:28,882,455, G>A. VCF-style: chr16-28882455-G-A. GRCh37 (hg19) VCF-style: chr16-28893776-G-A.
Other names: c.-47G>A (NM_001286075.2); c.329G>A, p.Arg110Gln (NM_173201.5); short protein forms R110Q.
Identifiers: ClinVar variation 578738 (VCV000578738.5), dbSNP rs768820110, ClinGen allele CA7986625.
Genomic context (GRCh38, chr16:28,882,455, plus strand): 5'-ACTCCATAACTCTGCCTCCTGTGTATAACCCTGCCTCCTCCACCCTGTCTCCTCAGGAGC[G>A]GAACGCAGAGAACGCCATCGAGGCCCTGAAGGAGTATGAGCCAGAGATGGGGAAGGTCTA-3'
Protein context (NP_004311.1, residues 100-120): ANAIVGVWQE[Arg110Gln]NAENAIEALK